The following is an entry in ClinVar:

ClinVar aggregate classification (germline): Uncertain significance. Review status: criteria provided, multiple submitters, no conflicts (2 of 4 stars). 2 submissions from 2 submitters: Uncertain significance (2). Last evaluated 2024-05-06.

Conditions:
Hereditary cancer-predisposing syndrome. Also called: Neoplastic Syndromes, Hereditary; Tumor predisposition; Hereditary neoplastic syndrome; Hereditary Cancer Syndrome. Identifiers: Orphanet 140162, MedGen C0027672, MeSH D009386, MONDO:0015356.
Bloom syndrome (BLM). Also called: Bloom-Torre-Machacek syndrome. Identifiers: Orphanet 125, MedGen C0005859, MONDO:0008876, OMIM 210900.

Allele frequency attached by ClinVar (database versions not stated): gnomAD exomes below 0.00001.
gnomAD v4.1: 4 of 1,608,694 alleles (0.00025%); highest among the groups gnomAD compares: South Asian, 0.0044%; no homozygotes.

Submissions (2):

Labcorp Genetics (formerly Invitae), Labcorp
Classification: Uncertain significance for Bloom syndrome. Last evaluated: 2024-05-06. Review status: criteria provided, single submitter. Criteria: Invitae Variant Classification Sherloc (09022015). Collection method: clinical testing. Allele origin: germline.
Comment: This sequence change replaces asparagine, which is neutral and polar, with isoleucine, which is neutral and non-polar, at codon 202 of the BLM protein (p.Asn202Ile). This variant is not present in population databases (gnomAD no frequency). This variant has not been reported in the literature in individuals affected with BLM-related conditions. ClinVar contains an entry for this variant (Variation ID: 826164). An algorithm developed to predict the effect of missense changes on protein structure and function (PolyPhen-2) suggests that this variant is likely to be disruptive. In summary, the available evidence is currently insufficient to determine the role of this variant in disease. Therefore, it has been classified as a Variant of Uncertain Significance.

Ambry Genetics
Classification: Uncertain significance for Hereditary cancer-predisposing syndrome. Last evaluated: 2023-06-30. Review status: criteria provided, single submitter. Criteria: Ambry Variant Classification Scheme 2023. Collection method: clinical testing. Allele origin: germline.
Comment: The p.N202I variant (also known as c.605A>T), located in coding exon 2 of the BLM gene, results from an A to T substitution at nucleotide position 605. The asparagine at codon 202 is replaced by isoleucine, an amino acid with dissimilar properties. This amino acid position is poorly conserved in available vertebrate species. In addition, this alteration is predicted to be tolerated by in silico analysis. Since supporting evidence is limited at this time, the clinical significance of this alteration remains unclear.

NM_000057.4(BLM):c.605A>T (p.Asn202Ile)

Gene: BLM (BLM RecQ like helicase; plus strand). Cytogenetic location: 15q26.1.
Variant type: single nucleotide variant.
Coding change: c.605A>T on transcript NM_000057.4 (MANE Select); coding-DNA position 605, A replaced by T.
Protein change: p.Asn202Ile; replaces asparagine 202 with isoleucine.
Molecular consequence: missense variant. On other transcripts: 5 prime UTR variant (1).
Genome position (GRCh38, 1-based): chr15:90,749,873, A>T. VCF-style: chr15-90749873-A-T. GRCh37 (hg19) VCF-style: chr15-91293103-A-T.
Other names: c.605A>T, p.Asn202Ile (NM_001287246.2, NM_001287247.2); c.-687A>T (NM_001287248.2); short protein forms N202I.
Identifiers: ClinVar variation 826164 (VCV000826164.11), dbSNP rs1596218921, ClinGen allele CA393841155.